The following is an entry in ClinVar:

NM_001267550.2(TTN):c.33995-5T>C

Gene: TTN (titin; minus strand). Cytogenetic location: 2q31.2.
Variant type: single nucleotide variant.
Coding change: c.33995-5T>C on transcript NM_001267550.2 (MANE Select); 5 bases into the intron before coding-DNA position 33995, T replaced by C.
Molecular consequence: intron variant.
Genome position (GRCh38, 1-based): chr2:178,677,922, A>G on the plus strand (T>C on the coding strand, the complement: TTN is on the minus strand). VCF-style: chr2-178677922-A-G. GRCh37 (hg19) VCF-style: chr2-179542649-A-G.
Other names: c.13283-35605T>C (NM_003319.4); c.13859-35605T>C (NM_133437.4); c.13658-35605T>C (NM_133432.3); c.30263-5T>C (NM_133378.4); c.33044-5T>C (NM_001256850.1).
Identifiers: ClinVar variation 413142 (VCV000413142.11), dbSNP rs774359312, ClinGen allele CA1998161.

ClinVar aggregate classification (germline): Conflicting classifications of pathogenicity. Review status: criteria provided, conflicting classifications (1 of 4 stars). 2 submissions from 2 submitters: Uncertain significance (1); Likely benign (1). Last evaluated 2025-12-19.

Conditions:
Autosomal recessive limb-girdle muscular dystrophy type 2J (LGMDR10). Also called: Limb-girdle muscular dystrophy, type 2J; MUSCULAR DYSTROPHY, LIMB-GIRDLE, AUTOSOMAL RECESSIVE 10. Identifiers: Orphanet 140922, MedGen C1837342, MONDO:0012127, OMIM 608807.
Dilated cardiomyopathy 1G (CMD1G). Identifiers: Orphanet 154, MedGen C1858763, MONDO:0011400, OMIM 604145.

Allele frequency attached by ClinVar (database versions not stated): TOPMed 0.00001.
gnomAD v4.1: 27 of 1,586,490 alleles (0.0017%); highest among the groups gnomAD compares: Non-Finnish European, 0.0021%; no homozygotes.

Submissions (2):

Labcorp Genetics (formerly Invitae), Labcorp
Classification: Likely benign for Dilated cardiomyopathy 1G; Autosomal recessive limb-girdle muscular dystrophy type 2J. Last evaluated: 2025-12-19. Review status: criteria provided, single submitter. Criteria: Invitae Variant Classification Sherloc (09022015). Collection method: clinical testing. Allele origin: germline.

GeneDx
Classification: Uncertain significance. Last evaluated: 2024-04-19. Review status: criteria provided, single submitter. Criteria: GeneDx Variant Classification Process June 2021. Collection method: clinical testing. Allele origin: germline. Affected: yes.
Comment: Not observed at significant frequency in large population cohorts (gnomAD); In silico analysis indicates that this variant does not alter splicing; Has not been previously published as pathogenic or benign to our knowledge